The following is an entry in ClinVar:

NM_199420.4(POLQ):c.2092G>A (p.Val698Met)

Gene: POLQ (DNA polymerase theta; minus strand). Cytogenetic location: 3q13.33.
Variant type: single nucleotide variant.
Coding change: c.2092G>A on transcript NM_199420.4 (MANE Select); coding-DNA position 2092, G replaced by A.
Protein change: p.Val698Met; replaces valine 698 with methionine.
Molecular consequence: missense variant.
Genome position (GRCh38, 1-based): chr3:121,498,538, C>T on the plus strand (G>A on the coding strand, the complement: POLQ is on the minus strand). VCF-style: chr3-121498538-C-T. GRCh37 (hg19) VCF-style: chr3-121217385-C-T.
Other names: short protein forms V698M.
Identifiers: ClinVar variation 2563825 (VCV002563825.2), dbSNP rs2546794713, ClinGen allele CA354110070.

ClinVar aggregate classification (germline): Uncertain significance (1 of 4 stars; one submission).

Submission:

Ambry Genetics
Classification: Uncertain significance. Last evaluated: 2023-05-04. Review status: criteria provided, single submitter. Criteria: Ambry Variant Classification Scheme 2023. Collection method: clinical testing. Allele origin: germline.
Comment: The p.V698M variant (also known as c.2092G>A), located in coding exon 13 of the POLQ gene, results from a G to A substitution at nucleotide position 2092. The valine at codon 698 is replaced by methionine, an amino acid with highly similar properties. This amino acid position is conserved. In addition, this alteration is predicted to be tolerated by in silico analysis. Since supporting evidence is limited at this time, the clinical significance of this alteration remains unclear.